The following is an entry in ClinVar:

ClinVar aggregate classification (germline): Uncertain significance (1 of 4 stars; one submission).

Submission:

Labcorp Genetics (formerly Invitae), Labcorp
Classification: Uncertain significance. Last evaluated: 2025-04-08. Review status: criteria provided, single submitter. Criteria: Invitae Variant Classification Sherloc (09022015). Collection method: clinical testing. Allele origin: germline.
Comment: This sequence change replaces leucine, which is neutral and non-polar, with serine, which is neutral and polar, at codon 1048 of the KIF11 protein (p.Leu1048Ser). This variant is not present in population databases (gnomAD no frequency). This variant has not been reported in the literature in individuals affected with KIF11-related conditions. ClinVar contains an entry for this variant (Variation ID: 1356303). Invitae Evidence Modeling of protein sequence and biophysical properties (such as structural, functional, and spatial information, amino acid conservation, physicochemical variation, residue mobility, and thermodynamic stability) has been performed for this missense variant. However, the output from this modeling did not meet the statistical confidence thresholds required to predict the impact of this variant on KIF11 protein function. In summary, the available evidence is currently insufficient to determine the role of this variant in disease. Therefore, it has been classified as a Variant of Uncertain Significance.

NM_004523.4(KIF11):c.3143T>C (p.Leu1048Ser)

Gene: KIF11 (kinesin family member 11; plus strand). Cytogenetic location: 10q23.33.
Variant type: single nucleotide variant.
Coding change: c.3143T>C on transcript NM_004523.4 (MANE Select); coding-DNA position 3143, T replaced by C.
Protein change: p.Leu1048Ser; replaces leucine 1048 with serine.
Molecular consequence: missense variant.
Genome position (GRCh38, 1-based): chr10:92,653,768, T>C. VCF-style: chr10-92653768-T-C. GRCh37 (hg19) VCF-style: chr10-94413525-T-C.
Other names: short protein forms L1048S.
Identifiers: ClinVar variation 1356303 (VCV001356303.6), dbSNP rs1845014223, ClinGen allele CA377808721.